The following is an entry in ClinVar:

ClinVar aggregate classification (germline): Pathogenic (1 of 4 stars; one submission).

Conditions:
Glycine encephalopathy 1 (GCE1). Identifiers: MedGen CN376801, MONDO:0958179, OMIM 605899.

Submission:

3billion
Classification: Pathogenic for Glycine encephalopathy 1. Last evaluated: 2025-07-01. Review status: criteria provided, single submitter. Criteria: ACMG Guidelines, 2015. Collection method: clinical testing. Allele origin: germline. Affected: yes.
Comment: The variant is not observed in the gnomAD v4.1.0 dataset. Predicted Consequence/Location: Canonical splice site: predicted to alter splicing and result in a loss or disruption of normal protein function. Multiple pathogenic loss-of-function variants are reported downstream of the variant. In silico tools predict the variant to alter splicing and produce an abnormal transcript [SpliceAI: 0.96 (spliceogenicity >=0.2, non-spliceogenicity <0.1)]. No sentences The variant has been reported to be associated with GLDC-related disorder (PMID: 26179960). Therefore, this variant is classified as Pathogenic according to the recommendation of ACMG/AMP guideline.

Literature cited by the submitters: PubMed 26179960.

NM_000170.3(GLDC):c.2665+2T>C

Gene: GLDC (glycine decarboxylase; minus strand). Cytogenetic location: 9p24.1.
Variant type: single nucleotide variant.
Coding change: c.2665+2T>C on transcript NM_000170.3 (MANE Select); the canonical splice donor site of the intron after coding-DNA position 2665, T replaced by C.
Molecular consequence: splice donor variant.
Genome position (GRCh38, 1-based): chr9:6,540,049, A>G on the plus strand (T>C on the coding strand, the complement: GLDC is on the minus strand). VCF-style: chr9-6540049-A-G. GRCh37 (hg19) VCF-style: chr9-6540049-A-G.
Identifiers: ClinVar variation 4855336 (VCV004855336.2).